The following is an entry in ClinVar:

ClinVar aggregate classification (germline): Uncertain significance (1 of 4 stars; one submission).

gnomAD v4.1: 11 of 1,613,260 alleles (0.00068%); highest among the groups gnomAD compares: South Asian, 0.0011%; no homozygotes.

Submission:

Mayo Clinic Laboratories, Mayo Clinic
Classification: Uncertain significance. Last evaluated: 2025-05-27. Review status: criteria provided, single submitter. Criteria: ACMG Guidelines, 2015. Collection method: clinical testing. Allele origin: germline. Observed: 1 variant allele.
Comment: PP3, PM2_supporting

NM_032383.5(HPS3):c.1250G>A (p.Cys417Tyr)

Gene: HPS3 (HPS3 biogenesis of lysosomal organelles complex 2 subunit 1; plus strand). Cytogenetic location: 3q24.
Variant type: single nucleotide variant.
Coding change: c.1250G>A on transcript NM_032383.5 (MANE Select); coding-DNA position 1250, G replaced by A.
Protein change: p.Cys417Tyr; replaces cysteine 417 with tyrosine.
Molecular consequence: missense variant.
Genome position (GRCh38, 1-based): chr3:149,153,498, G>A. VCF-style: chr3-149153498-G-A. GRCh37 (hg19) VCF-style: chr3-148871285-G-A.
Other names: p.Cys417Tyr; c.755G>A, p.Cys252Tyr (NM_001308258.2); short protein forms C252Y, C417Y.
Identifiers: ClinVar variation 4540934 (VCV004540934.1).